The following is an entry in ClinVar:

ClinVar aggregate classification (germline): Uncertain significance. Review status: criteria provided, multiple submitters, no conflicts (2 of 4 stars). 2 submissions from 2 submitters: Uncertain significance (2). Last evaluated 2025-11-03.

Conditions:
Combined immunodeficiency due to OX40 deficiency. Also called: Immunodeficiency 16; OX40 DEFICIENCY. Identifiers: Orphanet 431149, MedGen C3810053, MONDO:0014268, OMIM 615593.

Allele frequency attached by ClinVar (database versions not stated): gnomAD 0.00001; gnomAD exomes 0.00001 and 0.00002; TOPMed 0.00002.
gnomAD v4.1: 26 of 1,601,720 alleles (0.0016%); highest among the groups gnomAD compares: Middle Eastern, 0.022%; no homozygotes.

Submissions (2):

Labcorp Genetics (formerly Invitae), Labcorp
Classification: Uncertain significance for Combined immunodeficiency due to OX40 deficiency. Last evaluated: 2025-11-03. Review status: criteria provided, single submitter. Criteria: Invitae Variant Classification Sherloc (09022015). Collection method: clinical testing. Allele origin: germline.
Comment: This sequence change replaces threonine, which is neutral and polar, with methionine, which is neutral and non-polar, at codon 27 of the TNFRSF4 protein (p.Thr27Met). The frequency data for this variant in the population databases is considered unreliable, as metrics indicate poor data quality at this position in the gnomAD database. This variant has not been reported in the literature in individuals affected with TNFRSF4-related conditions. ClinVar contains an entry for this variant (Variation ID: 569090). Invitae Evidence Modeling of protein sequence and biophysical properties (such as structural, functional, and spatial information, amino acid conservation, physicochemical variation, residue mobility, and thermodynamic stability) indicates that this missense variant is not expected to disrupt TNFRSF4 protein function with a negative predictive value of 80%. In summary, the available evidence is currently insufficient to determine the role of this variant in disease. Therefore, it has been classified as a Variant of Uncertain Significance.

Ambry Genetics
Classification: Uncertain significance. Last evaluated: 2025-04-29. Review status: criteria provided, single submitter. Criteria: Ambry Variant Classification Scheme 2023. Collection method: clinical testing. Allele origin: germline.

NM_003327.4(TNFRSF4):c.80C>T (p.Thr27Met)

Gene: TNFRSF4 (TNF receptor superfamily member 4; minus strand). Cytogenetic location: 1p36.33.
Variant type: single nucleotide variant.
Coding change: c.80C>T on transcript NM_003327.4 (MANE Select); coding-DNA position 80, C replaced by T.
Protein change: p.Thr27Met; replaces threonine 27 with methionine.
Molecular consequence: missense variant.
Genome position (GRCh38, 1-based): chr1:1,214,048, G>A on the plus strand (C>T on the coding strand, the complement: TNFRSF4 is on the minus strand). VCF-style: chr1-1214048-G-A. GRCh37 (hg19) VCF-style: chr1-1149428-G-A.
Other names: c.80C>T, p.Thr27Met (LRG_1319t1); short protein forms T27M.
Identifiers: ClinVar variation 569090 (VCV000569090.9), dbSNP rs775900244, ClinGen allele CA512687.